The following is an entry in ClinVar:

NM_170675.5(MEIS2):c.1147+5G>C

Gene: MEIS2 (Meis homeobox 2; minus strand). Cytogenetic location: 15q14.
Variant type: single nucleotide variant.
Coding change: c.1147+5G>C on transcript NM_170675.5 (MANE Select); 5 bases into the intron after coding-DNA position 1147, G replaced by C.
Molecular consequence: intron variant.
Genome position (GRCh38, 1-based): chr15:36,895,146, C>G on the plus strand (G>C on the coding strand, the complement: MEIS2 is on the minus strand). VCF-style: chr15-36895146-C-G. GRCh37 (hg19) VCF-style: chr15-37187347-C-G.
Other names: c.1087+5G>C (NM_002399.4); c.1126+5G>C (NM_001220482.2, NM_170676.5, NM_170674.5); c.1147+5G>C (NM_170677.5); c.862+5G>C (NM_172316.3); c.1108+5G>C (NM_172315.3).
Identifiers: ClinVar variation 3727576 (VCV003727576.2).

ClinVar aggregate classification (germline): Uncertain significance (1 of 4 stars; one submission).

Conditions:
Cardiac malformation, cleft lip/palate, microcephaly, and digital anomalies. Also called: CLEFT PALATE, CARDIAC DEFECTS, AND IMPAIRED INTELLECTUAL DEVELOPMENT. Identifiers: MedGen C1832950, MONDO:0010970, OMIM 600987.

Submission:

Labcorp Genetics (formerly Invitae), Labcorp
Classification: Uncertain significance for Cardiac malformation, cleft lip/palate, microcephaly, and digital anomalies. Last evaluated: 2024-12-23. Review status: criteria provided, single submitter. Criteria: Invitae Variant Classification Sherloc (09022015). Collection method: clinical testing. Allele origin: germline.
Comment: This sequence change falls in intron 11 of the MEIS2 gene. It does not directly change the encoded amino acid sequence of the MEIS2 protein. It affects a nucleotide within the consensus splice site. This variant is not present in population databases (gnomAD no frequency). This variant has not been reported in the literature in individuals affected with MEIS2-related conditions. Variants that disrupt the consensus splice site are a relatively common cause of aberrant splicing (PMID: 17576681, 9536098). Algorithms developed to predict the effect of sequence changes on RNA splicing suggest that this variant may disrupt the consensus splice site. In summary, the available evidence is currently insufficient to determine the role of this variant in disease. Therefore, it has been classified as a Variant of Uncertain Significance.

Literature cited by the submitters: PubMed 17576681; PubMed 9536098.